The following is an entry in ClinVar:

ClinVar aggregate classification (germline): Uncertain significance (1 of 4 stars; one submission).

Submission:

Ambry Genetics
Classification: Uncertain significance. Last evaluated: 2022-11-03. Review status: criteria provided, single submitter. Criteria: Ambry Variant Classification Scheme 2023. Collection method: clinical testing. Allele origin: germline.
Comment: The p.D228H variant (also known as c.682G>C), located in coding exon 3 of the ALPK2 gene, results from a G to C substitution at nucleotide position 682. The aspartic acid at codon 228 is replaced by histidine, an amino acid with similar properties. This amino acid position is conserved. In addition, this alteration is predicted to be tolerated by in silico analysis. Since supporting evidence is limited at this time, the clinical significance of this alteration remains unclear.

NM_052947.4(ALPK2):c.682G>C (p.Asp228His)

Genes: ALPK2 (alpha kinase 2; minus strand), LOC114803473 (ALPK2 eExon liver enhancer; plus strand). Cytogenetic location: 18q21.31.
Variant type: single nucleotide variant.
Coding change: c.682G>C on transcript NM_052947.4 (MANE Select); coding-DNA position 682, G replaced by C.
Protein change: p.Asp228His; replaces aspartic acid 228 with histidine.
Molecular consequence: missense variant.
Genome position (GRCh38, 1-based): chr18:58,580,094, C>G on the plus strand (G>C on the coding strand, the complement: ALPK2 is on the minus strand). VCF-style: chr18-58580094-C-G. GRCh37 (hg19) VCF-style: chr18-56247326-C-G.
Other names: short protein forms D228H.
Identifiers: ClinVar variation 2449184 (VCV002449184.2), dbSNP rs2518899962, ClinGen allele CA402567445.
Genomic context (GRCh38, chr18:58,580,094, plus strand): 5'-TCAGGTCACCATCCGTGAACTTTGATGCCATGGAATGCACTGTCTTGTGGCAACATCTGT[C>G]TTGTTTTTCATAAATATGACTTGAATTAAGAAAAAGCAACCCATTTGCAATTTCTTCTGT-3'
Protein context (NP_443179.3, residues 218-238): LNSSHIYEKQ[Asp228His]RCCHKTVHSM